The following is an entry in ClinVar:

NM_001161352.2(KCNMA1):c.1306G>A (p.Val436Ile)

Gene: KCNMA1 (potassium calcium-activated channel subfamily M alpha 1; minus strand). Cytogenetic location: 10q22.3.
Variant type: single nucleotide variant.
Coding change: c.1306G>A on transcript NM_001161352.2 (MANE Select); coding-DNA position 1306, G replaced by A.
Protein change: p.Val436Ile; replaces valine 436 with isoleucine.
Molecular consequence: missense variant.
Genome position (GRCh38, 1-based): chr10:77,090,428, C>T on the plus strand (G>A on the coding strand, the complement: KCNMA1 is on the minus strand). VCF-style: chr10-77090428-C-T. GRCh37 (hg19) VCF-style: chr10-78850186-C-T.
Other names: c.1306G>A, p.Val436Ile (NM_001014797.3, NM_001161353.2, NM_001271519.2 and 7 more transcripts); c.1144G>A, p.Val382Ile (NM_001271518.2); c.766G>A, p.Val256Ile (NM_001322838.2); short protein forms V256I, V382I, V436I.
Identifiers: ClinVar variation 862595 (VCV000862595.33), dbSNP rs762346849, ClinGen allele CA5568487.

ClinVar aggregate classification (germline): Uncertain significance. Review status: criteria provided, multiple submitters, no conflicts (2 of 4 stars). 4 submissions from 4 submitters: Uncertain significance (4). Last evaluated 2025-08-18.

Conditions:
Inborn genetic diseases. Identifiers: MedGen C0950123, MeSH D030342.
Generalized epilepsy-paroxysmal dyskinesia syndrome (PNKD3). Also called: Paroxysmal nonkinesigenic dyskinesia, 3, with or without generalized epilepsy; Generalized epilepsy and paroxysmal dyskinesia. Identifiers: Orphanet 79137, MedGen C5574945, MONDO:0012276, OMIM 609446.

Allele frequency attached by ClinVar (database versions not stated): gnomAD exomes 0.00001; TOPMed 0.00001; gnomAD 0.00002; ExAC 0.00003.
gnomAD v4.1: 32 of 1,613,526 alleles (0.002%); highest among the groups gnomAD compares: South Asian, 0.0044%; 1 homozygote.

Submissions (4):

Labcorp Genetics (formerly Invitae), Labcorp
Classification: Uncertain significance for Generalized epilepsy-paroxysmal dyskinesia syndrome. Last evaluated: 2025-08-18. Review status: criteria provided, single submitter. Criteria: Invitae Variant Classification Sherloc (09022015). Collection method: clinical testing. Allele origin: germline.
Comment: This sequence change replaces valine, which is neutral and non-polar, with isoleucine, which is neutral and non-polar, at codon 436 of the KCNMA1 protein (p.Val436Ile). This variant is present in population databases (rs762346849, gnomAD 0.003%). This variant has not been reported in the literature in individuals affected with KCNMA1-related conditions. ClinVar contains an entry for this variant (Variation ID: 862595). Invitae Evidence Modeling of protein sequence and biophysical properties (such as structural, functional, and spatial information, amino acid conservation, physicochemical variation, residue mobility, and thermodynamic stability) indicates that this missense variant is not expected to disrupt KCNMA1 protein function with a negative predictive value of 80%. In summary, the available evidence is currently insufficient to determine the role of this variant in disease. Therefore, it has been classified as a Variant of Uncertain Significance.

GeneDx
Classification: Uncertain significance. Last evaluated: 2024-09-04. Review status: criteria provided, single submitter. Criteria: GeneDx Variant Classification Process June 2021. Collection method: clinical testing. Allele origin: germline. Affected: yes.
Comment: Not observed at significant frequency in large population cohorts (gnomAD); In silico analysis indicates that this missense variant does not alter protein structure/function; Has not been previously published as pathogenic or benign to our knowledge

CeGaT Center for Human Genetics Tuebingen
Classification: Uncertain significance. Last evaluated: 2024-01-01. Review status: criteria provided, single submitter. Criteria: CeGaT Center For Human Genetics Tuebingen Variant Classification Criteria Version 2. Collection method: clinical testing. Allele origin: germline. Affected: yes. Observed: 1 variant allele.
Comment: KCNMA1: PM2, PP2, PP3

Ambry Genetics
Classification: Uncertain significance for Inborn genetic diseases. Last evaluated: 2021-11-29. Review status: criteria provided, single submitter. Criteria: Ambry Variant Classification Scheme 2023. Collection method: clinical testing. Allele origin: germline.